The following is an entry in ClinVar:

ClinVar aggregate classification (germline): Benign. Review status: criteria provided, multiple submitters, no conflicts (2 of 4 stars). 6 submissions from 6 submitters: Benign (5). 1 of the submissions does not count toward it. Last evaluated 2026-01-27.

Conditions:
ITGB4-related disorder. Also called: ITGB4-related condition.
Junctional epidermolysis bullosa with pyloric atresia. Also called: ITGB4-Related Epidermolysis Bullosa with Pyloric Atresia; ITGA6-Related Epidermolysis Bullosa with Pyloric Atresia; EPIDERMOLYSIS BULLOSA, JUNCTIONAL 5B, WITH PYLORIC ATRESIA; APLASIA CUTIS CONGENITA WITH GASTROINTESTINAL ATRESIA; CARMI SYNDROME; EB-PA-ACC. Identifiers: Orphanet 79403, MedGen C5676875, MONDO:0009183, OMIM 226730.

Allele frequency attached by ClinVar (database versions not stated): gnomAD exomes 0.00054 and 0.00123; ExAC 0.00238; ESP Exome Variant Server 0.00523; gnomAD 0.00592 and 0.00640; 1000 Genomes Project 0.00639; 1000 Genomes Project 30x 0.00640; TOPMed 0.00652.
gnomAD v4.1: 1,722 of 1,602,796 alleles (0.11%); highest among the groups gnomAD compares: African/African-American, 2.1%; 21 homozygotes.

Submissions (6):

Labcorp Genetics (formerly Invitae), Labcorp
Classification: Benign. Last evaluated: 2026-01-27. Review status: criteria provided, single submitter. Criteria: Invitae Variant Classification Sherloc (09022015). Collection method: clinical testing. Allele origin: germline.

Mayo Clinic Laboratories, Mayo Clinic
Classification: Benign. Last evaluated: 2023-04-20. Review status: criteria provided, single submitter. Criteria: ACMG Guidelines, 2015. Collection method: clinical testing. Allele origin: germline. Observed: 4 variant alleles.
Comment: BS1, BS2, BP4, BP7

GeneDx
Classification: Benign. Last evaluated: 2020-02-04. Review status: criteria provided, single submitter. Criteria: GeneDx Variant Classification Process June 2021. Collection method: clinical testing. Allele origin: germline. Affected: yes.

Illumina Laboratory Services, Illumina
Classification: Benign for Junctional epidermolysis bullosa with pyloric atresia. Last evaluated: 2018-01-12. Review status: criteria provided, single submitter. Criteria: ICSL Variant Classification Criteria 13 December 2019. Collection method: clinical testing. Allele origin: germline.
Comment: This variant was observed in the ICSL laboratory as part of a predisposition screen in an ostensibly healthy population. It had not been previously curated by ICSL or reported in the Human Gene Mutation Database (HGMD: prior to June 1st, 2018), and was therefore a candidate for classification through an automated scoring system. Utilizing variant allele frequency, disease prevalence and penetrance estimates, and inheritance mode, an automated score was calculated to assess if this variant is too frequent to cause the disease. Based on the score and internal cut-off values, a variant classified as benign is not then subjected to further curation. The score for this variant resulted in a classification of benign for this disease.

Breakthrough Genomics
Classification: Benign. Review status: criteria provided, single submitter. Criteria: ACMG Guidelines, 2015. Collection method: not provided. Allele origin: germline. Inheritance: Autosomal recessive inheritance. Affected: yes.

PreventionGenetics, part of Exact Sciences
Classification: Benign for ITGB4-related condition. Last evaluated: 2021-07-26. Review status: no assertion criteria provided. Collection method: clinical testing. Allele origin: germline. Not counted in ClinVar's aggregate classification.
Comment: This variant is classified as benign based on ACMG/AMP sequence variant interpretation guidelines (Richards et al. 2015 PMID: 25741868, with internal and published modifications).

NM_000213.5(ITGB4):c.1893C>G (p.Ser631=)

Gene: ITGB4 (integrin subunit beta 4; plus strand). Cytogenetic location: 17q25.1.
Variant type: single nucleotide variant.
Coding change: c.1893C>G on transcript NM_000213.5 (MANE Select); coding-DNA position 1893, C replaced by G.
Protein change: p.Ser631=; no amino-acid change (serine 631 retained).
Molecular consequence: synonymous variant.
Genome position (GRCh38, 1-based): chr17:75,736,597, C>G. VCF-style: chr17-75736597-C-G. GRCh37 (hg19) VCF-style: chr17-73732678-C-G.
Other names: p.Ser631=; c.1893C>G, p.Ser631= (NM_001005619.2, NM_001005731.3, NM_001321123.2).
Identifiers: ClinVar variation 325153 (VCV000325153.20), dbSNP rs61735295, ClinGen allele CA8769180.